The following is an entry in ClinVar:

NM_000484.4(APP):c.1264A>C (p.Asn422His)

Gene: APP (amyloid beta precursor protein; minus strand). Cytogenetic location: 21q21.3.
Variant type: single nucleotide variant.
Coding change: c.1264A>C on transcript NM_000484.4 (MANE Select); coding-DNA position 1264, A replaced by C.
Protein change: p.Asn422His; replaces asparagine 422 with histidine.
Molecular consequence: missense variant.
Genome position (GRCh38, 1-based): chr21:25,975,989, T>G on the plus strand (A>C on the coding strand, the complement: APP is on the minus strand). VCF-style: chr21-25975989-T-G. GRCh37 (hg19) VCF-style: chr21-27348302-T-G.
Other names: c.1192A>C, p.Asn398His (NM_001136016.3); c.871A>C, p.Asn291His (NM_001136129.3); c.1096A>C, p.Asn366His (NM_001136130.3, NM_001385253.1); c.934A>C, p.Asn312His (NM_001136131.3); c.1264A>C, p.Asn422His (NM_001204301.2); c.1207A>C, p.Asn403His (NM_001204302.2, NM_201413.3); c.1039A>C, p.Asn347His (NM_001204303.2, NM_201414.3); short protein forms N291H, N398H, N403H, N422H, N312H, N347H, N366H.
Identifiers: ClinVar variation 1414335 (VCV001414335.8), dbSNP rs2146575525, ClinGen allele CA409809843.

ClinVar aggregate classification (germline): Uncertain significance (1 of 4 stars; one submission).

Conditions:
Alzheimer disease. Also called: Alzheimer's disease; Presenile and senile dementia. Identifiers: Orphanet 1020, MedGen C0002395, MeSH D000544, MONDO:0004975, HP:0002511.

Submission:

Labcorp Genetics (formerly Invitae), Labcorp
Classification: Uncertain significance for Alzheimer disease. Last evaluated: 2021-08-24. Review status: criteria provided, single submitter. Criteria: Invitae Variant Classification Sherloc (09022015). Collection method: clinical testing. Allele origin: germline.
Comment: In summary, the available evidence is currently insufficient to determine the role of this variant in disease. Therefore, it has been classified as a Variant of Uncertain Significance. Algorithms developed to predict the effect of missense changes on protein structure and function are either unavailable or do not agree on the potential impact of this missense change (SIFT: "Deleterious"; PolyPhen-2: "Probably Damaging"; Align-GVGD: "Class C15"). This variant has not been reported in the literature in individuals with APP-related conditions. This variant is not present in population databases (ExAC no frequency). This sequence change replaces asparagine with histidine at codon 422 of the APP protein (p.Asn422His). The asparagine residue is highly conserved and there is a small physicochemical difference between asparagine and histidine.